The following is an entry in ClinVar:

NM_004444.5(EPHB4):c.2851G>A (p.Gly951Arg)

Gene: EPHB4 (EPH receptor B4; minus strand). Cytogenetic location: 7q22.1.
Variant type: single nucleotide variant.
Coding change: c.2851G>A on transcript NM_004444.5 (MANE Select); coding-DNA position 2851, G replaced by A.
Protein change: p.Gly951Arg; replaces glycine 951 with arginine.
Molecular consequence: missense variant.
Genome position (GRCh38, 1-based): chr7:100,803,574, C>T on the plus strand (G>A on the coding strand, the complement: EPHB4 is on the minus strand). VCF-style: chr7-100803574-C-T. GRCh37 (hg19) VCF-style: chr7-100401196-C-T.
Other names: short protein forms G951R.
Identifiers: ClinVar variation 3224284 (VCV003224284.1), dbSNP rs1479132738, ClinGen allele CA368566133.

ClinVar aggregate classification (germline): Uncertain significance (1 of 4 stars; one submission).

Conditions:
Cardiovascular phenotype. Identifiers: MedGen CN230736.

gnomAD v4.1: 5 of 1,605,846 alleles (0.00031%); highest among the groups gnomAD compares: African/African-American, 0.0013%; no homozygotes.

Submission:

Ambry Genetics
Classification: Uncertain significance for Cardiovascular phenotype. Last evaluated: 2024-01-16. Review status: criteria provided, single submitter. Criteria: Ambry Variant Classification Scheme 2023. Collection method: clinical testing. Allele origin: germline.
Comment: The p.G951R variant (also known as c.2851G>A), located in coding exon 17 of the EPHB4 gene, results from a G to A substitution at nucleotide position 2851. The glycine at codon 951 is replaced by arginine, an amino acid with dissimilar properties. This amino acid position is conserved. In addition, this alteration is predicted to be deleterious by in silico analysis. Since supporting evidence is limited at this time, the clinical significance of this alteration remains unclear.